The following is an entry in ClinVar:

NM_001371928.1(AHDC1):c.603G>C (p.Glu201Asp)

Gene: AHDC1 (AT-hook DNA binding motif containing 1; minus strand). Cytogenetic location: 1p36.11.
Variant type: single nucleotide variant.
Coding change: c.603G>C on transcript NM_001371928.1 (MANE Select); coding-DNA position 603, G replaced by C.
Protein change: p.Glu201Asp; replaces glutamic acid 201 with aspartic acid.
Molecular consequence: missense variant.
Genome position (GRCh38, 1-based): chr1:27,551,513, C>G on the plus strand (G>C on the coding strand, the complement: AHDC1 is on the minus strand). VCF-style: chr1-27551513-C-G. GRCh37 (hg19) VCF-style: chr1-27878024-C-G.
Other names: c.603G>C, p.Glu201Asp (NM_001029882.3); short protein forms E201D.
Identifiers: ClinVar variation 4991133 (VCV004991133.1).

ClinVar aggregate classification (germline): Uncertain significance (1 of 4 stars; one submission).

Conditions:
AHDC1-related disorder. Also called: AHDC1-related condition.

gnomAD v4.1: 2 of 1,604,396 alleles (0.00012%); highest among the groups gnomAD compares: Non-Finnish European, 0.00017%; no homozygotes.

Submission:

PreventionGenetics, part of Exact Sciences
Classification: Uncertain significance for AHDC1-related condition. Last evaluated: 2026-03-06. Review status: criteria provided, single submitter. Criteria: ACMG Guidelines, 2015. Collection method: clinical testing. Allele origin: germline.
Comment: The AHDC1 c.603G>C variant is predicted to result in the amino acid substitution p.Glu201Asp. To our knowledge, this variant has not been reported in the literature or in a large population database (gnomAD), indicating this variant is rare. At this time, the clinical significance of this variant is uncertain due to the absence of conclusive functional and genetic evidence.